The following is an entry in ClinVar:

NM_003775.4(S1PR4):c.285G>A (p.Thr95=)

Gene: S1PR4 (sphingosine-1-phosphate receptor 4; plus strand). Cytogenetic location: 19p13.3.
Variant type: single nucleotide variant.
Coding change: c.285G>A on transcript NM_003775.4 (MANE Select); coding-DNA position 285, G replaced by A.
Protein change: p.Thr95=; no amino-acid change (threonine 95 retained).
Molecular consequence: synonymous variant.
Genome position (GRCh38, 1-based): chr19:3,179,077, G>A. VCF-style: chr19-3179077-G-A. GRCh37 (hg19) VCF-style: chr19-3179075-G-A.
Identifiers: ClinVar variation 771510 (VCV000771510.28), dbSNP rs34573539, ClinGen allele CA9075607.

ClinVar aggregate classification (germline): Benign/Likely benign. Review status: criteria provided, multiple submitters, no conflicts (2 of 4 stars). 3 submissions from 3 submitters: Benign (2); Likely benign (1). Last evaluated 2023-03-01.

Allele frequency attached by ClinVar (database versions not stated): 1000 Genomes Project 30x 0.00422; TOPMed 0.00448; 1000 Genomes Project 0.00479; ESP Exome Variant Server 0.00509; gnomAD 0.00638; ExAC 0.00724.

Submissions (3):

CeGaT Center for Human Genetics Tuebingen
Classification: Likely benign. Last evaluated: 2023-03-01. Review status: criteria provided, single submitter. Criteria: CeGaT Center For Human Genetics Tuebingen Variant Classification Criteria Version 2. Collection method: clinical testing. Allele origin: germline. Affected: yes. Observed: 2 variant alleles.
Comment: S1PR4: BP4, BP7, BS2

Labcorp Genetics (formerly Invitae), Labcorp
Classification: Benign. Last evaluated: 2018-05-02. Review status: criteria provided, single submitter. Criteria: Invitae Variant Classification Sherloc (09022015). Collection method: clinical testing. Allele origin: germline.

Breakthrough Genomics
Classification: Benign. Review status: criteria provided, single submitter. Criteria: ACMG Guidelines, 2015. Collection method: not provided. Allele origin: germline. Inheritance: Unknown mechanism. Affected: yes.